The following is an entry in ClinVar:

NM_013322.3(SNX10):c.25-3925_25-3924insATCCA

Gene: SNX10 (sorting nexin 10; plus strand). Cytogenetic location: 7p15.2.
Variant type: Insertion.
Coding change: c.25-3925_25-3924insATCCA on transcript NM_013322.3 (MANE Select); 3925 bases into the intron before coding-DNA position 25 through 3924 bases into the intron before coding-DNA position 25, ATCCA inserted.
Molecular consequence: intron variant. On other transcripts: frameshift variant (3).
Genome position: GRCh38 VCF-style: chr7-26357050-T-TATCCA. GRCh37 (hg19) VCF-style: chr7-26396670-T-TATCCA.
Other names: c.25_26insATCCA, p.Cys9fs (NM_001318198.1, NM_001362753.1, NM_001362754.1); c.25-3925_25-3924insATCCA (NM_001199835.1, NM_001318199.3); short protein forms C9fs.
Identifiers: ClinVar variation 4895510 (VCV004895510.2).

ClinVar aggregate classification (germline): Conflicting classifications of pathogenicity. Review status: criteria provided, conflicting classifications (1 of 4 stars). 2 submissions from 2 submitters: Likely pathogenic (1); Uncertain significance (1). Last evaluated 2026-01-29.

Conditions:
SNX10-related disorder. Also called: SNX10-related condition.

Submissions (2):

PreventionGenetics, part of Exact Sciences
Classification: Uncertain significance for SNX10-related condition. Last evaluated: 2026-01-29. Review status: criteria provided, single submitter. Criteria: ACMG Guidelines, 2015. Collection method: clinical testing. Allele origin: germline.
Comment: The SNX10 c.25_26insATCCA variant is predicted to result in a frameshift and premature protein termination (p.Cys9Tyrfs*4). To our knowledge, this variant has not been reported in the literature. This variant is reported in 0.28% of alleles in individuals of East Asian descent in gnomAD. At this time, the clinical significance of this variant is uncertain due to the absence of conclusive functional and genetic evidence.

Blueprint Genetics
Classification: Likely pathogenic for SNX10-related disorders. Last evaluated: 2024-03-05. Review status: criteria provided, single submitter. Criteria: ACMG Guidelines, 2015. Collection method: clinical testing. Allele origin: germline. Affected: yes. Observed: 2 variant alleles.